The following is an entry in ClinVar:

NM_170601.5(SIAE):c.207G>A (p.Met69Ile)

Gene: SIAE (sialic acid acetylesterase; minus strand). Cytogenetic location: 11q24.2.
Variant type: single nucleotide variant.
Coding change: c.207G>A on transcript NM_170601.5 (MANE Select); coding-DNA position 207, G replaced by A.
Protein change: p.Met69Ile; replaces methionine 69 with isoleucine.
Molecular consequence: missense variant.
Genome position (GRCh38, 1-based): chr11:124,669,382, C>T on the plus strand (G>A on the coding strand, the complement: SIAE is on the minus strand). VCF-style: chr11-124669382-C-T. GRCh37 (hg19) VCF-style: chr11-124539278-C-T.
Other names: c.102G>A, p.Met34Ile (NM_001199922.2); short protein forms M69I, M34I.
Identifiers: ClinVar variation 3690776 (VCV003690776.2).

ClinVar aggregate classification (germline): Uncertain significance (1 of 4 stars; one submission).

gnomAD v4.1: 2 of 1,614,178 alleles (0.00012%); highest among the groups gnomAD compares: Non-Finnish European, 0.00017%; no homozygotes.

Submission:

Labcorp Genetics (formerly Invitae), Labcorp
Classification: Uncertain significance. Last evaluated: 2024-12-18. Review status: criteria provided, single submitter. Criteria: Invitae Variant Classification Sherloc (09022015). Collection method: clinical testing. Allele origin: germline.
Comment: This sequence change replaces methionine, which is neutral and non-polar, with isoleucine, which is neutral and non-polar, at codon 69 of the SIAE protein (p.Met69Ile). This variant is not present in population databases (gnomAD no frequency). This variant has not been reported in the literature in individuals affected with SIAE-related conditions. An algorithm developed to predict the effect of missense changes on protein structure and function (PolyPhen-2) suggests that this variant is likely to be tolerated. In summary, the available evidence is currently insufficient to determine the role of this variant in disease. Therefore, it has been classified as a Variant of Uncertain Significance.